The following is an entry in ClinVar:

NM_001165963.4(SCN1A):c.2192G>T (p.Arg731Met)

Gene: SCN1A (sodium voltage-gated channel alpha subunit 1; minus strand). Cytogenetic location: 2q24.3.
Variant type: single nucleotide variant.
Coding change: c.2192G>T on transcript NM_001165963.4 (MANE Select); coding-DNA position 2192, G replaced by T.
Protein change: p.Arg731Met; replaces arginine 731 with methionine.
Molecular consequence: missense variant. On other transcripts: 5 prime UTR variant (1), non-coding transcript variant (1).
Genome position (GRCh38, 1-based): chr2:166,041,454, C>A on the plus strand (G>T on the coding strand, the complement: SCN1A is on the minus strand). VCF-style: chr2-166041454-C-A. GRCh37 (hg19) VCF-style: chr2-166897964-C-A.
Other names: c.2108G>T, p.Arg703Met (NM_001165964.3, NM_001353957.2, NM_001353958.2); c.2192G>T, p.Arg731Met (NM_001202435.3, NM_001353948.2); c.2159G>T, p.Arg720Met (NM_001353949.2, NM_001353950.2, NM_001353951.2 and 2 more transcripts); c.2156G>T, p.Arg719Met (NM_001353954.2, NM_001353955.2); c.2105G>T, p.Arg702Met (NM_001353960.2); c.-267G>T (NM_001353961.2); short protein forms R719M, R720M, R731M, R702M, R703M.
Identifiers: ClinVar variation 1982757 (VCV001982757.4), dbSNP rs1697167725, ClinGen allele CA349065286.
Genomic context (GRCh38, chr2:166,041,454, plus strand): 5'-GAACAGTCCCAGATTAAGAATATGTTGGAAAATTTATACCAACAGGGTGGGCATTTCTGC[C>A]TGGATTCTTCAAGTTCTAGATTAAGAAAAAAAAAAAAAAGAACCACCAAAAGGTATACTT-3'
Protein context (NP_001159435.1, residues 721-741): TNTVEELEES[Arg731Met]QKCPPCWYKF

ClinVar aggregate classification (germline): Uncertain significance (1 of 4 stars; one submission).

Conditions:
Early-infantile DEE. Also called: Early infantile epileptic encephalopathy with suppression bursts; Early infantile epileptic encephalopathy; Ohtahara syndrome. Identifiers: Orphanet 1934, MedGen C0393706, MONDO:0800491.

Submission:

Labcorp Genetics (formerly Invitae), Labcorp
Classification: Uncertain significance for Early-infantile DEE. Last evaluated: 2025-06-16. Review status: criteria provided, single submitter. Criteria: Invitae Variant Classification Sherloc (09022015). Collection method: clinical testing. Allele origin: germline.
Comment: This sequence change replaces arginine, which is basic and polar, with methionine, which is neutral and non-polar, at codon 731 of the SCN1A protein (p.Arg731Met). This variant is not present in population databases (gnomAD no frequency). This variant has not been reported in the literature in individuals affected with SCN1A-related conditions. ClinVar contains an entry for this variant (Variation ID: 1982757). Invitae Evidence Modeling of protein sequence and biophysical properties (such as structural, functional, and spatial information, amino acid conservation, physicochemical variation, residue mobility, and thermodynamic stability) indicates that this missense variant is expected to disrupt SCN1A protein function with a positive predictive value of 95%. In summary, the available evidence is currently insufficient to determine the role of this variant in disease. Therefore, it has been classified as a Variant of Uncertain Significance.